The following is an entry in ClinVar:

NM_016222.4(DDX41):c.124C>T (p.Arg42Cys)

Gene: DDX41 (DEAD-box helicase 41; minus strand). Cytogenetic location: 5q35.3.
Variant type: single nucleotide variant.
Coding change: c.124C>T on transcript NM_016222.4 (MANE Select); coding-DNA position 124, C replaced by T.
Protein change: p.Arg42Cys; replaces arginine 42 with cysteine.
Molecular consequence: missense variant. On other transcripts: 5 prime UTR variant (2).
Genome position (GRCh38, 1-based): chr5:177,516,739, G>A on the plus strand (C>T on the coding strand, the complement: DDX41 is on the minus strand). VCF-style: chr5-177516739-G-A. GRCh37 (hg19) VCF-style: chr5-176943740-G-A.
Other names: c.-532C>T (NM_001321732.2); c.-324C>T (NM_001321830.2); short protein forms R42C.
Identifiers: ClinVar variation 2118552 (VCV002118552.4), dbSNP rs1414400375, ClinGen allele CA362377731.

ClinVar aggregate classification (germline): Uncertain significance (1 of 4 stars; one submission).

Allele frequency attached by ClinVar (database versions not stated): gnomAD exomes below 0.00001; TOPMed below 0.00001.
gnomAD v4.1: 1 of 1,604,542 alleles (0.000062%); highest among the groups gnomAD compares: Non-Finnish European, 0.000085%; no homozygotes.

Submission:

Labcorp Genetics (formerly Invitae), Labcorp
Classification: Uncertain significance. Last evaluated: 2022-09-10. Review status: criteria provided, single submitter. Criteria: Invitae Variant Classification Sherloc (09022015). Collection method: clinical testing. Allele origin: germline.
Comment: In summary, the available evidence is currently insufficient to determine the role of this variant in disease. Therefore, it has been classified as a Variant of Uncertain Significance. Algorithms developed to predict the effect of missense changes on protein structure and function are either unavailable or do not agree on the potential impact of this missense change (SIFT: "Not Available"; PolyPhen-2: "Probably Damaging"; Align-GVGD: "Not Available"). This variant has not been reported in the literature in individuals affected with DDX41-related conditions. This variant is not present in population databases (gnomAD no frequency). This sequence change replaces arginine, which is basic and polar, with cysteine, which is neutral and slightly polar, at codon 42 of the DDX41 protein (p.Arg42Cys).